The following is an entry in ClinVar:

ClinVar aggregate classification (germline): Likely pathogenic (1 of 4 stars; one submission).

Conditions:
Hereditary breast ovarian cancer syndrome. Also called: Hereditary breast and ovarian cancer syndrome; Breast and ovarian cancer; BRCA1- and BRCA2-Associated Hereditary Breast and Ovarian Cancer; Hereditary breast and ovarian cancer; Hereditary breast and/or ovarian cancer syndrome; Hereditary breast and ovarian cancer syndrome (HBOC). Identifiers: Orphanet 145, MedGen C0677776, MeSH D061325, MONDO:0003582. Disease mechanism: loss of function.

Submission:

Labcorp Genetics (formerly Invitae), Labcorp
Classification: Likely pathogenic for Hereditary breast ovarian cancer syndrome. Last evaluated: 2021-08-31. Review status: criteria provided, single submitter. Criteria: Invitae Variant Classification Sherloc (09022015). Collection method: clinical testing. Allele origin: germline.
Comment: This variant results in a copy number gain of the genomic region encompassing exon(s) 15 of the BRCA1 gene. While the exact position of this variant cannot be determined from the data, sub-genic copy number gains are generally in tandem (PMID: 25640679). This variant is predicted to be out-of-frame, and may result in an absent or disrupted protein product. Loss-of-function variants in BRCA1 are known to be pathogenic (PMID: 20104584). A similar copy number variant has been observed in individual(s) with personal and/or family history of breast and ovarian cancer (PMID: 29582426). This variant is also known as exon 16. In summary, the currently available evidence indicates that the variant is pathogenic, but additional data are needed to prove that conclusively. Therefore, this variant has been classified as Likely Pathogenic.

Literature cited by the submitters: PubMed 25640679; PubMed 20104584; PubMed 29582426.

NC_000017.11:g.(?_43070908)_(43071258_?)dup

Gene: BRCA1 (BRCA1 DNA repair associated; minus strand). Cytogenetic location: 17q21.31.
Variant type: Duplication.
Identifiers: ClinVar variation 833467 (VCV000833467.2).